The following is an entry in ClinVar:

ClinVar aggregate classification (germline): Uncertain significance. Review status: criteria provided, multiple submitters, no conflicts (2 of 4 stars). 2 submissions from 2 submitters: Uncertain significance (2). Last evaluated 2024-11-26.

Allele frequency attached by ClinVar (database versions not stated): gnomAD exomes below 0.00001.

Submissions (2):

Ambry Genetics
Classification: Uncertain significance. Last evaluated: 2024-11-26. Review status: criteria provided, single submitter. Criteria: Ambry Variant Classification Scheme 2023. Collection method: clinical testing. Allele origin: germline.

Labcorp Genetics (formerly Invitae), Labcorp
Classification: Uncertain significance. Last evaluated: 2019-12-06. Review status: criteria provided, single submitter. Criteria: Invitae Variant Classification Sherloc (09022015). Collection method: clinical testing. Allele origin: germline.
Comment: In summary, the available evidence is currently insufficient to determine the role of this variant in disease. Therefore, it has been classified as a Variant of Uncertain Significance. Algorithms developed to predict the effect of missense changes on protein structure and function are either unavailable or do not agree on the potential impact of this missense change (SIFT: "Tolerated"; PolyPhen-2: "Possibly Damaging"; Align-GVGD: "Class C0"). This variant has not been reported in the literature in individuals with CEP250-related conditions. This variant is not present in population databases (ExAC no frequency). This sequence change replaces leucine with methionine at codon 1474 of the CEP250 protein (p.Leu1474Met). The leucine residue is weakly conserved and there is a small physicochemical difference between leucine and methionine.

NM_007186.6(CEP250):c.4420C>A (p.Leu1474Met)

Gene: CEP250 (centrosomal protein 250; plus strand). Cytogenetic location: 20q11.22.
Variant type: single nucleotide variant.
Coding change: c.4420C>A on transcript NM_007186.6 (MANE Select); coding-DNA position 4420, C replaced by A.
Protein change: p.Leu1474Met; replaces leucine 1474 with methionine.
Molecular consequence: missense variant.
Genome position (GRCh38, 1-based): chr20:35,502,789, C>A. VCF-style: chr20-35502789-C-A. GRCh37 (hg19) VCF-style: chr20-34090617-C-A.
Other names: c.2524C>A, p.Leu842Met (NM_001318219.1); c.4420C>A (NM_007186.3); short protein forms L842M, L1474M.
Identifiers: ClinVar variation 851501 (VCV000851501.9), dbSNP rs1057169190, ClinGen allele CA408748154.
Genomic context (GRCh38, chr20:35,502,789, plus strand): 5'-CAGAAGGCTGCTTTGGAATTGCTGTCTCTGGACCTGAAGAAGAGGAACCAAGAGGTAGAT[C>A]TGCAGCAAGAACAGATTCAGGAGCTAGAGAAGTGTAGGTCTGTTTTAGAGCATCTGCCCA-3'
Protein context (NP_009117.2, residues 1464-1484): DLKKRNQEVD[Leu1474Met]QQEQIQELEK